The following is an entry in ClinVar:

ClinVar aggregate classification (germline): Likely benign. Review status: criteria provided, multiple submitters, no conflicts (2 of 4 stars). 2 submissions from 2 submitters: Likely benign (2). Last evaluated 2026-02-01.

Allele frequency attached by ClinVar (database versions not stated): ExAC 0.00003; gnomAD 0.00003; TOPMed 0.00006; ESP Exome Variant Server 0.00008; gnomAD exomes 0.00008.
gnomAD v4.1: 117 of 1,613,330 alleles (0.0073%); highest among the groups gnomAD compares: Middle Eastern, 0.016%; no homozygotes.

Submissions (2):

CeGaT Center for Human Genetics Tuebingen
Classification: Likely benign. Last evaluated: 2026-02-01. Review status: criteria provided, single submitter. Criteria: CeGaT Center For Human Genetics Tuebingen Variant Classification Criteria Version 2. Collection method: clinical testing. Allele origin: germline. Affected: yes. Observed: 2 variant alleles.
Comment: CTR9: BP4, BP7

Labcorp Genetics (formerly Invitae), Labcorp
Classification: Likely benign. Last evaluated: 2024-08-04. Review status: criteria provided, single submitter. Criteria: Invitae Variant Classification Sherloc (09022015). Collection method: clinical testing. Allele origin: germline.

NM_014633.5(CTR9):c.1479C>T (p.Asn493=)

Genes: CTR9 (CTR9 component of Paf1/RNA polymerase II complex; plus strand), LOC126861140 (CDK7 strongly-dependent group 2 enhancer GRCh37_chr11:10785333-10786532; plus strand). Cytogenetic location: 11p15.4.
Variant type: single nucleotide variant.
Coding change: c.1479C>T on transcript NM_014633.5 (MANE Select); coding-DNA position 1479, C replaced by T.
Protein change: p.Asn493=; no amino-acid change (asparagine 493 retained).
Molecular consequence: synonymous variant.
Genome position (GRCh38, 1-based): chr11:10,764,613, C>T. VCF-style: chr11-10764613-C-T. GRCh37 (hg19) VCF-style: chr11-10786160-C-T.
Other names: c.1479C>T, p.Asn493= (NM_001346279.2).
Identifiers: ClinVar variation 2169143 (VCV002169143.9), dbSNP rs371311994, ClinGen allele CA5885112.
Genomic context (GRCh38, chr11:10,764,613, plus strand): 5'-TTTTTTGGCGTCATTGGACCGTGCAAAAGCAGAAGCGGAACACGATGAGCATTACTATAA[C>T]GCCATTTCCGTTACCACGTCATATAATCTCGCCAGGCTATATGAGGCGATGTGTGAATTC-3'
Protein context (NP_055448.1, residues 483-503): AEAEHDEHYY[Asn493=]AISVTTSYNL